The following is an entry in ClinVar:

ClinVar aggregate classification (germline): Benign/Likely benign. Review status: criteria provided, multiple submitters, no conflicts (2 of 4 stars). 3 submissions from 3 submitters: Benign (2); Likely benign (1). Last evaluated 2026-01-28.

Conditions:
Epileptic encephalopathy. Identifiers: MedGen C0543888, HP:0200134.

Allele frequency attached by ClinVar (database versions not stated): 1000 Genomes Project 30x 0.00328; 1000 Genomes Project 0.00379; ESP Exome Variant Server 0.00618; gnomAD exomes 0.00713; ExAC 0.00748; gnomAD 0.00550 and 0.00556; TOPMed 0.00585.
gnomAD v4.1: 10,363 of 1,609,482 alleles (0.64%); highest among the groups gnomAD compares: Middle Eastern, 2.3%; 84 homozygotes.

Submissions (3):

Labcorp Genetics (formerly Invitae), Labcorp
Classification: Benign for Epileptic encephalopathy. Last evaluated: 2026-01-28. Review status: criteria provided, single submitter. Criteria: Invitae Variant Classification Sherloc (09022015). Collection method: clinical testing. Allele origin: germline.

CeGaT Center for Human Genetics Tuebingen
Classification: Likely benign. Last evaluated: 2025-02-01. Review status: criteria provided, single submitter. Criteria: CeGaT Center For Human Genetics Tuebingen Variant Classification Criteria Version 2. Collection method: clinical testing. Allele origin: germline. Affected: yes. Observed: 2 variant alleles.
Comment: FASN: BP4, BP7, BS2

Breakthrough Genomics
Classification: Benign. Review status: criteria provided, single submitter. Criteria: ACMG Guidelines, 2015. Collection method: not provided. Allele origin: germline. Inheritance: Unknown mechanism. Affected: yes.

NM_004104.5(FASN):c.3306C>G (p.Ala1102=)

Gene: FASN (fatty acid synthase; minus strand). Cytogenetic location: 17q25.3.
Variant type: single nucleotide variant.
Coding change: c.3306C>G on transcript NM_004104.5 (MANE Select); coding-DNA position 3306, C replaced by G.
Protein change: p.Ala1102=; no amino-acid change (alanine 1102 retained).
Molecular consequence: synonymous variant.
Genome position (GRCh38, 1-based): chr17:82,087,171, G>C on the plus strand (C>G on the coding strand, the complement: FASN is on the minus strand). VCF-style: chr17-82087171-G-C. GRCh37 (hg19) VCF-style: chr17-80045047-G-C.
Identifiers: ClinVar variation 462033 (VCV000462033.36), dbSNP rs34179714, ClinGen allele CA8852432.